The following is an entry in ClinVar:

ClinVar aggregate classification (germline): Uncertain significance (1 of 4 stars; one submission).

Submission:

GeneDx
Classification: Uncertain significance. Last evaluated: 2026-10-09. Review status: criteria provided, single submitter. Criteria: GeneDx Variant Classification Process June 2021. Collection method: clinical testing. Allele origin: germline.
Comment: Frameshift variant predicted to result in protein truncation or nonsense mediated decay in a gene or region of a gene for which loss of function is not a well-established mechanism of disease; Not observed at significant frequency in large population cohorts (gnomAD); Has not been previously published as pathogenic or benign to our knowledge

NM_001252102.2(KIF21B):c.3508_3509del (p.Ser1170fs)

Gene: KIF21B (kinesin family member 21B; minus strand). Cytogenetic location: 1q32.1.
Variant type: Deletion.
Coding change: c.3508_3509del on transcript NM_001252102.2 (MANE Select); coding-DNA positions 3508 to 3509, 2 bases deleted (TC; older notation c.3508_3509delTC).
Protein change: p.Ser1170fs; shifts the reading frame from serine 1170.
Molecular consequence: frameshift variant.
Genome position (GRCh38, 1-based): chr1:200,987,101-200,987,102, GA deleted on the plus strand (TC on the coding strand, the reverse complement: KIF21B is on the minus strand); deleting any 2 consecutive bases within chr1:200,987,101-200,987,103 gives the same sequence; the c. name uses the placement nearest the transcript's 3' end. VCF-style (leftmost placement, unchanged base first): chr1-200987100-GGA-G. GRCh37 (hg19) VCF-style: chr1-200956228-GGA-G.
Other names: c.3508_3509del, p.Ser1170fs (NM_001252100.2, NM_001252103.2, NM_017596.4); short protein forms S1170fs.
Identifiers: ClinVar variation 4687075 (VCV004687075.2).